The following is an entry in ClinVar:

NM_033641.4(COL4A6):c.834+5G>A

Gene: COL4A6 (collagen type IV alpha 6 chain; minus strand). Cytogenetic location: Xq22.3.
Variant type: single nucleotide variant.
Coding change: c.834+5G>A on transcript NM_033641.4 (MANE Select); 5 bases into the intron after coding-DNA position 834, G replaced by A.
Molecular consequence: intron variant.
Genome position (GRCh38, 1-based): chrX:108,202,923, C>T on the plus strand (G>A on the coding strand, the complement: COL4A6 is on the minus strand). VCF-style: chrX-108202923-C-T. GRCh37 (hg19) VCF-style: chrX-107446153-C-T.
Other names: c.837+5G>A (NM_001847.4); c.834+5G>A (NM_001287760.2, NM_001287759.2, NM_001287758.2).
Identifiers: ClinVar variation 2818869 (VCV002818869.3), dbSNP rs2522243966, ClinGen allele CA2694434477.

ClinVar aggregate classification (germline): Uncertain significance (1 of 4 stars; one submission).

Allele frequency attached by ClinVar (database versions not stated): gnomAD exomes below 0.00001.
gnomAD v4.1: 4 of 1,206,989 alleles (0.00033%); highest among the groups gnomAD compares: Non-Finnish European, 0.00045%; no homozygotes.

Submission:

Labcorp Genetics (formerly Invitae), Labcorp
Classification: Uncertain significance. Last evaluated: 2022-12-06. Review status: criteria provided, single submitter. Criteria: Invitae Variant Classification Sherloc (09022015). Collection method: clinical testing. Allele origin: germline.
Comment: This sequence change falls in intron 13 of the COL4A6 gene. It does not directly change the encoded amino acid sequence of the COL4A6 protein. It affects a nucleotide within the consensus splice site. In summary, the available evidence is currently insufficient to determine the role of this variant in disease. Therefore, it has been classified as a Variant of Uncertain Significance. Variants that disrupt the consensus splice site are a relatively common cause of aberrant splicing (PMID: 17576681, 9536098). Algorithms developed to predict the effect of sequence changes on RNA splicing suggest that this variant may disrupt the consensus splice site. This variant has not been reported in the literature in individuals affected with COL4A6-related conditions. This variant is not present in population databases (gnomAD no frequency).

Literature cited by the submitters: PubMed 17576681; PubMed 9536098.